The following is an entry in ClinVar:

ClinVar aggregate classification (germline): Uncertain significance (1 of 4 stars; one submission).

Conditions:
Melnick-Needles syndrome (MNS). Also called: MELNICK-NEEDLES OSTEODYSPLASTY; OSTEODYSPLASTY OF MELNICK AND NEEDLES; Melnick-Needles Syndrome (FLNA-MNS). Identifiers: Orphanet 2484, MedGen C0025237, MONDO:0010650, OMIM 309350.
Frontometaphyseal dysplasia (FMD1). Identifiers: Orphanet 1826, MedGen C0265293, MONDO:0015942.
Heterotopia, periventricular, X-linked dominant (PVNH1). Also called: PERIVENTRICULAR NODULAR HETEROTOPIA 1; X-linked periventricular heterotopia; PERIVENTRICULAR NODULAR HETEROTOPIA 4; HETEROTOPIA, PERIVENTRICULAR, 1. Identifiers: Orphanet 2149, Orphanet 82004, MedGen C1848213, MONDO:0010233, OMIM 300049.
Oto-palato-digital syndrome, type II (OPD2). Also called: FACIOPALATOOSSEOUS SYNDROME; OPD II SYNDROME; Otopalatodigital Syndrome, Type II; Otopalatodigital Syndrome Type 2 (FLNA-OPD2). Identifiers: Orphanet 669, Orphanet 90652, MedGen C1844696, MONDO:0010571, OMIM 304120.

gnomAD v4.1: 1 of 1,211,663 alleles (0.000083%); highest among the groups gnomAD compares: South Asian, 0.0018%; no homozygotes.

Submission:

Labcorp Genetics (formerly Invitae), Labcorp
Classification: Uncertain significance for Oto-palato-digital syndrome, type II; Heterotopia, periventricular, X-linked dominant; Frontometaphyseal dysplasia; Melnick-Needles syndrome. Last evaluated: 2024-06-18. Review status: criteria provided, single submitter. Criteria: Invitae Variant Classification Sherloc (09022015). Collection method: clinical testing. Allele origin: germline.
Comment: This sequence change replaces serine, which is neutral and polar, with phenylalanine, which is neutral and non-polar, at codon 1006 of the FLNA protein (p.Ser1006Phe). This variant is not present in population databases (gnomAD no frequency). This variant has not been reported in the literature in individuals affected with FLNA-related conditions. Advanced modeling of protein sequence and biophysical properties (such as structural, functional, and spatial information, amino acid conservation, physicochemical variation, residue mobility, and thermodynamic stability) performed at Invitae indicates that this missense variant is not expected to disrupt FLNA protein function with a negative predictive value of 95%. In summary, the available evidence is currently insufficient to determine the role of this variant in disease. Therefore, it has been classified as a Variant of Uncertain Significance.

NM_001110556.2(FLNA):c.3017C>T (p.Ser1006Phe)

Gene: FLNA (filamin A; minus strand). Cytogenetic location: Xq28.
Variant type: single nucleotide variant.
Coding change: c.3017C>T on transcript NM_001110556.2 (MANE Select); coding-DNA position 3017, C replaced by T.
Protein change: p.Ser1006Phe; replaces serine 1006 with phenylalanine.
Molecular consequence: missense variant.
Genome position (GRCh38, 1-based): chrX:154,361,498, G>A on the plus strand (C>T on the coding strand, the complement: FLNA is on the minus strand). VCF-style: chrX-154361498-G-A. GRCh37 (hg19) VCF-style: chrX-153589866-G-A.
Other names: c.3017C>T, p.Ser1006Phe (NM_001456.4); short protein forms S1006F.
Identifiers: ClinVar variation 3754000 (VCV003754000.2).